The following is an entry in ClinVar:

NM_006767.4(LZTR1):c.37del (p.Ala13fs)

Genes: LZTR1 (leucine zipper like post translational regulator 1; plus strand), LOC130067016 (ATAC-STARR-seq lymphoblastoid silent region 13504; plus strand). Cytogenetic location: 22q11.21.
Variant type: Deletion.
Coding change: c.37del on transcript NM_006767.4 (MANE Select); coding-DNA position 37, one base deleted (G; older notation c.37delG).
Protein change: p.Ala13fs; shifts the reading frame from alanine 13.
Molecular consequence: frameshift variant.
Genome position (GRCh38, 1-based): chr22:20,982,408, G deleted; the last of 4 consecutive G bases (chr22:20,982,405-20,982,408); deleting any one gives the same sequence. VCF-style (leftmost placement, unchanged base first): chr22-20982404-CG-C. GRCh37 (hg19) VCF-style: chr22-21336693-CG-C.
Other names: short protein forms A13fs.
Identifiers: ClinVar variation 3541562 (VCV003541562.1).

ClinVar aggregate classification (germline): Pathogenic (1 of 4 stars; one submission).

Conditions:
Hereditary cancer-predisposing syndrome. Also called: Hereditary Cancer Syndrome; Hereditary neoplastic syndrome; Tumor predisposition; Neoplastic Syndromes, Hereditary. Identifiers: Orphanet 140162, MedGen C0027672, MeSH D009386, MONDO:0015356.
Cardiovascular phenotype. Identifiers: MedGen CN230736.

Submission:

Ambry Genetics
Classification: Pathogenic for Cardiovascular phenotype; Hereditary cancer-predisposing syndrome. Last evaluated: 2024-10-04. Review status: criteria provided, single submitter. Criteria: Ambry Variant Classification Scheme 2023. Collection method: clinical testing. Allele origin: germline.
Comment: The c.37delG pathogenic mutation, located in coding exon 1 of the LZTR1 gene, results from a deletion of one nucleotide at nucleotide position 37, causing a translational frameshift with a predicted alternate stop codon (p.A13Lfs*12). This variant is considered to be rare based on population cohorts in the Genome Aggregation Database (gnomAD). This alteration is expected to result in loss of function by premature protein truncation or nonsense-mediated mRNA decay. Loss-of-function variants in LZTR1 are related to an increased risk for schwannomas and autosomal recessive Noonan syndrome; however, such associations with autosomal dominant Noonan syndrome have not been observed (Piotrowski A et al. Nat Genet. 2014 Feb;46:182-7; Yamamoto GL et al. J Med Genet. 2015 Jun;52:413-21; Johnston JJ et al. Genet Med. 2018 10;20:1175-1185). Based on the supporting evidence, this variant is pathogenic for an increased risk of LZTR1-related schwannomatosis (SWN) and would be expected to cause autosomal recessive Noonan syndrome when present along with a second pathogenic or likely pathogenic variant on the other allele; however, the association of this alteration with autosomal dominant Noonan syndrome is unlikely.